The following is an entry in ClinVar:

ClinVar aggregate classification (germline): Pathogenic (1 of 4 stars; one submission).

Conditions:
Osteogenesis imperfecta, perinatal lethal (OI2). Also called: Osteogenesis imperfecta, dominant perinatal lethal; OSTEOGENESIS IMPERFECTA, TYPE II; Osteogenesis imperfecta type 2; OSTEOGENESIS IMPERFECTA CONGENITA; OI, TYPE II; VROLIK TYPE OF OSTEOGENESIS IMPERFECTA. Identifiers: Orphanet 216804, MedGen C0268358, MONDO:0008147, OMIM 166210.

Submission:

Victorian Clinical Genetics Services, Murdoch Childrens Research Institute
Classification: Pathogenic for Osteogenesis imperfecta, perinatal lethal. Last evaluated: 2024-10-09. Review status: criteria provided, single submitter. Criteria: ACMG Guidelines, 2015. Collection method: clinical testing. Allele origin: germline. Inheritance: Autosomal dominant inheritance. Affected: yes.
Comment: Based on the classification scheme VCGS_Germline_v1.3.4, this variant is classified as Pathogenic. Following criteria are met: 0103 - Dominant negative and loss of function are known mechanisms of disease in this gene and are associated with osteogenesis imperfecta (OI) types I-IV, and other conditions (OMIM). Variants resulting in a truncated protein are known to have a loss of function effect on protein, while missense variants affecting the Gly-X-Y of a triple helix motif have a dominant negative effect (PMID: 27509835, 12362985). (I) 0107 - This gene is associated with autosomal dominant disease. (I) 0115 - Variants in this gene are known to have variable expressivity (PMID: 20301472). (I) 0200 - Variant is predicted to result in a missense amino acid change from glycine to aspartic acid. (I) 0251 - This variant is heterozygous. (I) 0301 - Variant is absent from gnomAD (both v2 and v3). (SP) 0501 - Missense variant consistently predicted to be damaging by multiple in silico tools or highly conserved with a major amino acid change. (SP) 0601 - Variant is located in the well-established functional Gly-X-Y motif within the collagen triple-helical region, and affects a glycine residue (DECIPHER, UniProt). (SP) 0704 - Another missense variant comparable to the one identified in this case has limited previous evidence for pathogenicity. p.(Gly926Cys) has been observed in a fetus with osteogenesis imperfecta (PMID: 3667599). (SP) 0807 - This variant has no previous evidence of pathogenicity. (I) 0905 - No published segregation evidence has been identified for this variant. (I) 1007 - No published functional evidence has been identified for this variant. (SP) Legend: (SP) - Supporting pathogenic, (I) - Information, (SB) - Supporting benign

Literature cited by the submitters: PubMed 3667599; PubMed 12362985; PubMed 20301472; PubMed 27509835.

NM_000088.4(COL1A1):c.2777G>A (p.Gly926Asp)

Gene: COL1A1 (collagen type I alpha 1 chain; minus strand). Cytogenetic location: 17q21.33.
Variant type: single nucleotide variant.
Coding change: c.2777G>A on transcript NM_000088.4 (MANE Select); coding-DNA position 2777, G replaced by A.
Protein change: p.Gly926Asp; replaces glycine 926 with aspartic acid.
Molecular consequence: missense variant.
Genome position (GRCh38, 1-based): chr17:50,189,429, C>T on the plus strand (G>A on the coding strand, the complement: COL1A1 is on the minus strand). VCF-style: chr17-50189429-C-T. GRCh37 (hg19) VCF-style: chr17-48266790-C-T.
Other names: short protein forms G926D.
Identifiers: ClinVar variation 3377257 (VCV003377257.1).
Genomic context (GRCh38, chr17:50,189,429, plus strand): 5'-GCACTTACAGCAGGACCATCAGCACCAGGGGATCCTTTCTCGCCAGCAGGGCCAGGGGGA[C>T]CAGGGGGACCAACTTCACCAGGACGTCCAGCAGGGCCAGTCTCACCACGGGGACCTTTGC-3'
Protein context (NP_000079.2, residues 916-936): AGRPGEVGPP[Gly926Asp]PPGPAGEKGS